The following is an entry in ClinVar:

NM_001064.4(TKT):c.153C>G (p.Leu51=)

Gene: TKT (transketolase; minus strand). Cytogenetic location: 3p21.1.
Variant type: single nucleotide variant.
Coding change: c.153C>G on transcript NM_001064.4 (MANE Select); coding-DNA position 153, C replaced by G.
Protein change: p.Leu51=; no amino-acid change (leucine 51 retained).
Molecular consequence: synonymous variant. On other transcripts: non-coding transcript variant (1).
Genome position (GRCh38, 1-based): chr3:53,242,197, G>C on the plus strand (C>G on the coding strand, the complement: TKT is on the minus strand). VCF-style: chr3-53242197-G-C. GRCh37 (hg19) VCF-style: chr3-53276213-G-C.
Other names: c.153C>G, p.Leu51= (NM_001135055.3, NM_001258028.2).
Identifiers: ClinVar variation 3357801 (VCV003357801.1).

ClinVar aggregate classification (germline): Likely benign (0 of 4 stars; one submission).

Conditions:
TKT-related disorder. Also called: TKT-related condition.

gnomAD v4.1: 2 of 1,614,150 alleles (0.00012%); highest among the groups gnomAD compares: Non-Finnish European, 0.00017%; no homozygotes.

Submission:

PreventionGenetics, part of Exact Sciences
Classification: Likely benign for TKT-related condition. Last evaluated: 2019-08-30. Review status: no assertion criteria provided. Collection method: clinical testing. Allele origin: germline.
Comment: This variant is classified as likely benign based on ACMG/AMP sequence variant interpretation guidelines (Richards et al. 2015 PMID: 25741868, with internal and published modifications).